The following is an entry in ClinVar:

NM_001283009.2(RTEL1):c.2747C>A (p.Thr916Asn)

Genes: RTEL1 (regulator of telomere elongation helicase 1; plus strand), RTEL1-TNFRSF6B (RTEL1-TNFRSF6B readthrough (NMD candidate); plus strand). Cytogenetic location: 20q13.33.
Variant type: single nucleotide variant.
Coding change: c.2747C>A on transcript NM_001283009.2 (MANE Select); coding-DNA position 2747, C replaced by A.
Protein change: p.Thr916Asn; replaces threonine 916 with asparagine.
Molecular consequence: missense variant. On other transcripts: non-coding transcript variant (1).
Genome position (GRCh38, 1-based): chr20:63,692,899, C>A. VCF-style: chr20-63692899-C-A. GRCh37 (hg19) VCF-style: chr20-62324252-C-A.
Other names: c.2078C>A, p.Thr693Asn (NM_001283010.1); c.2747C>A, p.Thr916Asn (NM_016434.4); c.2819C>A, p.Thr940Asn (NM_032957.5); c.2819C>A (NM_032957.4); short protein forms T693N, T940N, T916N.
Identifiers: ClinVar variation 3948438 (VCV003948438.2).

ClinVar aggregate classification (germline): Uncertain significance. Review status: criteria provided, multiple submitters, no conflicts (2 of 4 stars). 2 submissions from 2 submitters: Uncertain significance (2). Last evaluated 2025-05-31.

Conditions:
Inborn genetic diseases. Identifiers: MedGen C0950123, MeSH D030342.

Submissions (2):

Ambry Genetics
Classification: Uncertain significance for Inborn genetic diseases. Last evaluated: 2025-05-31. Review status: criteria provided, single submitter. Criteria: Ambry Variant Classification Scheme 2023. Collection method: clinical testing. Allele origin: germline.
Comment: The p.T916N variant (also known as c.2747C>A), located in coding exon 28 of the RTEL1 gene, results from a C to A substitution at nucleotide position 2747. The threonine at codon 916 is replaced by asparagine, an amino acid with similar properties. This amino acid position is conserved. In addition, this alteration is predicted to be tolerated by in silico analysis. Based on the available evidence, the clinical significance of this variant remains unclear.

GeneDx
Classification: Uncertain significance. Last evaluated: 2025-05-02. Review status: criteria provided, single submitter. Criteria: GeneDx Variant Classification Process June 2021. Collection method: clinical testing. Allele origin: germline. Affected: yes.
Comment: Not observed at significant frequency in large population cohorts (gnomAD); In silico analysis supports that this missense variant has a deleterious effect on protein structure/function; Has not been previously published as pathogenic or benign to our knowledge